The following is an entry in ClinVar:

NM_000245.4(MET):c.1333T>C (p.Phe445Leu)

Gene: MET (MET proto-oncogene, receptor tyrosine kinase; plus strand). Cytogenetic location: 7q31.2.
Variant type: single nucleotide variant.
Coding change: c.1333T>C on transcript NM_000245.4 (MANE Select); coding-DNA position 1333, T replaced by C.
Protein change: p.Phe445Leu; replaces phenylalanine 445 with leucine.
Molecular consequence: missense variant.
Genome position (GRCh38, 1-based): chr7:116,731,800, T>C. VCF-style: chr7-116731800-T-C. GRCh37 (hg19) VCF-style: chr7-116371854-T-C.
Other names: c.1333T>C, p.Phe445Leu (NM_001127500.3, NM_001324401.3); c.43T>C, p.Phe15Leu (NM_001324402.2); short protein forms F445L, F15L.
Identifiers: ClinVar variation 1999626 (VCV001999626.4), dbSNP rs1793017605, ClinGen allele CA368972948.

ClinVar aggregate classification (germline): Uncertain significance (1 of 4 stars; one submission).

Conditions:
Renal cell carcinoma. Identifiers: Orphanet 217071, MedGen C0007134, MeSH D002292, MONDO:0005086, HP:0005584.

Submission:

Labcorp Genetics (formerly Invitae), Labcorp
Classification: Uncertain significance for Renal cell carcinoma. Last evaluated: 2022-06-02. Review status: criteria provided, single submitter. Criteria: Invitae Variant Classification Sherloc (09022015). Collection method: clinical testing. Allele origin: germline.
Comment: This variant has not been reported in the literature in individuals affected with MET-related conditions. In summary, the available evidence is currently insufficient to determine the role of this variant in disease. Therefore, it has been classified as a Variant of Uncertain Significance. Algorithms developed to predict the effect of missense changes on protein structure and function are either unavailable or do not agree on the potential impact of this missense change (SIFT: "Tolerated"; PolyPhen-2: "Probably Damaging"; Align-GVGD: "Class C0"). This variant is not present in population databases (gnomAD no frequency). This sequence change replaces phenylalanine, which is neutral and non-polar, with leucine, which is neutral and non-polar, at codon 445 of the MET protein (p.Phe445Leu).